The following is an entry in ClinVar:

NM_003334.4(UBA1):c.1014G>C (p.Gln338His)

Gene: UBA1 (ubiquitin like modifier activating enzyme 1; plus strand). Cytogenetic location: Xp11.3.
Variant type: single nucleotide variant.
Coding change: c.1014G>C on transcript NM_003334.4 (MANE Select); coding-DNA position 1014, G replaced by C.
Protein change: p.Gln338His; replaces glutamine 338 with histidine.
Molecular consequence: missense variant.
Genome position (GRCh38, 1-based): chrX:47,202,462, G>C. VCF-style: chrX-47202462-G-C. GRCh37 (hg19) VCF-style: chrX-47061861-G-C.
Other names: c.1014G>C, p.Gln338His (NM_153280.3); short protein forms Q338H.
Identifiers: ClinVar variation 1045669 (VCV001045669.8), dbSNP rs1157237217, ClinGen allele CA412795425.

ClinVar aggregate classification (germline): Uncertain significance (1 of 4 stars; one submission).

Conditions:
Infantile-onset X-linked spinal muscular atrophy. Also called: AMC, DISTAL, X-LINKED; ARTHROGRYPOSIS, X-LINKED, TYPE I; SPINAL MUSCULAR ATROPHY, X-LINKED LETHAL INFANTILE; Spinal Muscular Atrophy, X-Linked Infantile; Spinal muscular atrophy, X-linked 2. Identifiers: Orphanet 1145, MedGen C1844934, MONDO:0010532, OMIM 301830.

Allele frequency attached by ClinVar (database versions not stated): gnomAD exomes below 0.00001; gnomAD 0.00001; TOPMed 0.00001.
gnomAD v4.1: 5 of 1,206,058 alleles (0.00041%); highest among the groups gnomAD compares: Non-Finnish European, 0.00056%; no homozygotes.

Submission:

Labcorp Genetics (formerly Invitae), Labcorp
Classification: Uncertain significance for Infantile-onset X-linked spinal muscular atrophy. Last evaluated: 2023-02-14. Review status: criteria provided, single submitter. Criteria: Invitae Variant Classification Sherloc (09022015). Collection method: clinical testing. Allele origin: germline.
Comment: This sequence change replaces glutamine, which is neutral and polar, with histidine, which is basic and polar, at codon 338 of the UBA1 protein (p.Gln338His). This variant is not present in population databases (gnomAD no frequency). This variant has not been reported in the literature in individuals affected with UBA1-related conditions. ClinVar contains an entry for this variant (Variation ID: 1045669). Algorithms developed to predict the effect of missense changes on protein structure and function output the following: SIFT: "Tolerated"; PolyPhen-2: "Benign"; Align-GVGD: "Class C0". The histidine amino acid residue is found in multiple mammalian species, which suggests that this missense change does not adversely affect protein function. In summary, the available evidence is currently insufficient to determine the role of this variant in disease. Therefore, it has been classified as a Variant of Uncertain Significance.